The following is an entry in ClinVar:

NM_001042492.3(NF1):c.7049T>C (p.Ile2350Thr)

Gene: NF1 (neurofibromin 1; plus strand). Cytogenetic location: 17q11.2.
Variant type: single nucleotide variant.
Coding change: c.7049T>C on transcript NM_001042492.3 (MANE Select); coding-DNA position 7049, T replaced by C.
Protein change: p.Ile2350Thr; replaces isoleucine 2350 with threonine.
Molecular consequence: missense variant.
Genome position (GRCh38, 1-based): chr17:31,340,632, T>C. VCF-style: chr17-31340632-T-C. GRCh37 (hg19) VCF-style: chr17-29667650-T-C.
Other names: c.6986T>C, p.Ile2329Thr (NM_000267.4); short protein forms I2329T, I2350T.
Identifiers: ClinVar variation 1756442 (VCV001756442.3), dbSNP rs2069794814, ClinGen allele CA399015211.

ClinVar aggregate classification (germline): Uncertain significance (1 of 4 stars; one submission).

Conditions:
Cardiovascular phenotype. Identifiers: MedGen CN230736.
Hereditary cancer-predisposing syndrome. Also called: Hereditary Cancer Syndrome; Hereditary neoplastic syndrome; Neoplastic Syndromes, Hereditary; Tumor predisposition. Identifiers: Orphanet 140162, MedGen C0027672, MeSH D009386, MONDO:0015356.

Submission:

Ambry Genetics
Classification: Uncertain significance for Cardiovascular phenotype; Hereditary cancer-predisposing syndrome. Last evaluated: 2026-07-10. Review status: criteria provided, single submitter. Criteria: Ambry Variant Classification Scheme 2023. Collection method: clinical testing. Allele origin: germline.
Comment: The p.I2329T variant (also known as c.6986T>C), located in coding exon 46 of the NF1 gene, results from a T to C substitution at nucleotide position 6986. The isoleucine at codon 2329 is replaced by threonine, an amino acid with similar properties. This amino acid position is not well conserved in available vertebrate species. In addition, this alteration is predicted to be tolerated by in silico analysis. Based on the available evidence, the clinical significance of this variant remains unclear.